The following is an entry in ClinVar:

NM_017649.5(CNNM2):c.1031C>T (p.Ala344Val)

Gene: CNNM2 (cyclin and CBS domain divalent metal cation transport mediator 2; plus strand). Cytogenetic location: 10q24.32.
Variant type: single nucleotide variant.
Coding change: c.1031C>T on transcript NM_017649.5 (MANE Select); coding-DNA position 1031, C replaced by T.
Protein change: p.Ala344Val; replaces alanine 344 with valine.
Molecular consequence: missense variant.
Genome position (GRCh38, 1-based): chr10:102,919,511, C>T. VCF-style: chr10-102919511-C-T. GRCh37 (hg19) VCF-style: chr10-104679268-C-T.
Other names: c.1031C>T, p.Ala344Val (NM_199076.3, NM_199077.3); short protein forms A344V.
Identifiers: ClinVar variation 4882558 (VCV004882558.2).

ClinVar aggregate classification (germline): Likely pathogenic (1 of 4 stars; one submission).

Conditions:
Hypomagnesemia, seizures, and impaired intellectual development 1. Also called: Hypomagnesemia, seizures, and intellectual disability 1. Identifiers: Orphanet 34527, MedGen C4225333, MONDO:0020787, OMIM 616418.

Submission:

Dasa
Classification: Likely pathogenic for Hypomagnesemia, seizures, and impaired intellectual development 1. Last evaluated: 2025-10-13. Review status: criteria provided, single submitter. Criteria: DASA Assertion Criteria. Collection method: clinical testing. Allele origin: germline.
Comment: NM_017649.5(CNNM2):c.1031C>T (p.Ala344Val) is a missense variant that results in the substitution of alanine with valine. This variant is absent from population databases. Computational evidence supports a deleterious effect. Based on the currently available evidence, this variant is classified as likely pathogenic.